The following is an entry in ClinVar:

NM_002485.5(NBN):c.1427C>G (p.Ser476Cys)

Gene: NBN (nibrin; minus strand). Cytogenetic location: 8q21.3.
Variant type: single nucleotide variant.
Coding change: c.1427C>G on transcript NM_002485.5 (MANE Select); coding-DNA position 1427, C replaced by G.
Protein change: p.Ser476Cys; replaces serine 476 with cysteine.
Molecular consequence: missense variant.
Genome position (GRCh38, 1-based): chr8:89,953,662, G>C on the plus strand (C>G on the coding strand, the complement: NBN is on the minus strand). VCF-style: chr8-89953662-G-C. GRCh37 (hg19) VCF-style: chr8-90965890-G-C.
Other names: c.1181C>G, p.Ser394Cys (NM_001024688.3); short protein forms S394C, S476C.
Identifiers: ClinVar variation 1315356 (VCV001315356.2), dbSNP rs2129703826, ClinGen allele CA371655870.

ClinVar aggregate classification (germline): Uncertain significance (1 of 4 stars; one submission).

Submission:

GeneDx
Classification: Uncertain significance. Last evaluated: 2020-02-04. Review status: criteria provided, single submitter. Criteria: GeneDx Variant Classification Process June 2021. Collection method: clinical testing. Allele origin: germline. Affected: yes.
Comment: Not observed in large population cohorts (Lek 2016); In silico analysis supports that this missense variant has a deleterious effect on protein structure/function; Has not been previously published as pathogenic or benign to our knowledge